The following is an entry in ClinVar:

NM_006514.4(SCN10A):c.2491dup (p.His831fs)

Gene: SCN10A (sodium voltage-gated channel alpha subunit 10; minus strand). Cytogenetic location: 3p22.2.
Variant type: Duplication.
Coding change: c.2491dup on transcript NM_006514.4 (MANE Select); coding-DNA position 2491, one base duplicated (C; older notation c.2491dupC).
Protein change: p.His831fs; shifts the reading frame from histidine 831.
Molecular consequence: frameshift variant.
Genome position (GRCh38, 1-based): chr3:38,728,691, G duplicated on the plus strand (C on the coding strand, the reverse complement: SCN10A is on the minus strand). VCF-style (leftmost placement, unchanged base first): chr3-38728690-T-TG. GRCh37 (hg19) VCF-style: chr3-38770181-T-TG.
Other names: c.2491dup, p.His831fs (NM_001293306.2); c.2197dup, p.His733fs (NM_001293307.2); short protein forms H831fs, H733fs.
Identifiers: ClinVar variation 5029103 (VCV005029103.1).

ClinVar aggregate classification (germline): Uncertain significance (1 of 4 stars; one submission).

Conditions:
Cardiovascular phenotype. Identifiers: MedGen CN230736.

Submission:

Ambry Genetics
Classification: Uncertain significance for Cardiovascular phenotype. Last evaluated: 2026-09-08. Review status: criteria provided, single submitter. Criteria: Ambry Variant Classification Scheme 2023. Collection method: clinical testing. Allele origin: germline.
Comment: The c.2491dupC variant, located in coding exon 15 of the SCN10A gene, results from a duplication of C at nucleotide position 2491, causing a translational frameshift with a predicted alternate stop codon (p.H831Pfs*22). This variant is expected to result in protein truncation or nonsense-mediated mRNA decay. However, loss of function has not been established as a mechanism of disease. Based on the available evidence, the clinical significance of this variant remains unclear.